The following is an entry in ClinVar:

NM_016204.4(GDF2):c.714C>T (p.Asp238=)

Gene: GDF2 (growth differentiation factor 2; plus strand). Cytogenetic location: 10q11.22.
Variant type: single nucleotide variant.
Coding change: c.714C>T on transcript NM_016204.4 (MANE Select); coding-DNA position 714, C replaced by T.
Protein change: p.Asp238=; no amino-acid change (aspartic acid 238 retained).
Molecular consequence: synonymous variant.
Genome position (GRCh38, 1-based): chr10:47,325,208, C>T. VCF-style: chr10-47325208-C-T. GRCh37 (hg19) VCF-style: chr10-48414154-G-A.
Other names: c.714C>T (NM_016204.1, NM_016204.3).
Identifiers: ClinVar variation 698903 (VCV000698903.16), dbSNP rs782288867, ClinGen allele CA5488043.

ClinVar aggregate classification (germline): Likely benign. Review status: criteria provided, multiple submitters, no conflicts (2 of 4 stars). 5 submissions from 5 submitters: Likely benign (4). 1 of the submissions does not count toward it. Last evaluated 2025-12-19.

Conditions:
GDF2-related disorder. Also called: GDF2-related condition.
Telangiectasia, hereditary hemorrhagic, type 5 (HHT5). Identifiers: Orphanet 774, MedGen C3809710, MONDO:0014217, OMIM 615506.
Cardiovascular phenotype. Identifiers: MedGen CN230736.

Allele frequency attached by ClinVar (database versions not stated): gnomAD exomes below 0.00001 and 0.00002; ExAC 0.00001; gnomAD 0.00001; TOPMed 0.00004.
gnomAD v4.1: 11 of 1,613,960 alleles (0.00068%); highest among the groups gnomAD compares: East Asian, 0.011%; no homozygotes.

Submissions (5):

Labcorp Genetics (formerly Invitae), Labcorp
Classification: Likely benign for Telangiectasia, hereditary hemorrhagic, type 5. Last evaluated: 2025-12-19. Review status: criteria provided, single submitter. Criteria: Invitae Variant Classification Sherloc (09022015). Collection method: clinical testing. Allele origin: germline.

ARUP Laboratories, Molecular Genetics and Genomics, ARUP Laboratories
Classification: Likely benign for Telangiectasia, hereditary hemorrhagic, type 5. Last evaluated: 2023-08-07. Review status: criteria provided, single submitter. Criteria: ARUP Molecular Germline Variant Investigation Process 2024. Collection method: clinical testing. Allele origin: germline.

Ambry Genetics
Classification: Likely benign for Cardiovascular phenotype. Last evaluated: 2022-11-17. Review status: criteria provided, single submitter. Criteria: Ambry Variant Classification Scheme 2023. Collection method: clinical testing. Allele origin: germline.

Blueprint Genetics
Classification: Likely benign. Last evaluated: 2022-02-15. Review status: criteria provided, single submitter. Criteria: ACMG Guidelines, 2015. Collection method: clinical testing. Allele origin: germline.

PreventionGenetics, part of Exact Sciences
Classification: Likely benign for GDF2-related condition. Last evaluated: 2019-05-24. Review status: no assertion criteria provided. Collection method: clinical testing. Allele origin: germline. Not counted in ClinVar's aggregate classification.
Comment: This variant is classified as likely benign based on ACMG/AMP sequence variant interpretation guidelines (Richards et al. 2015 PMID: 25741868, with internal and published modifications).